The following is an entry in ClinVar:

NM_025077.4(TOE1):c.550C>T (p.Arg184Cys)

Gene: TOE1 (target of EGR1, exonuclease; plus strand). Cytogenetic location: 1p34.1.
Variant type: single nucleotide variant.
Coding change: c.550C>T on transcript NM_025077.4 (MANE Select); coding-DNA position 550, C replaced by T.
Protein change: p.Arg184Cys; replaces arginine 184 with cysteine.
Molecular consequence: missense variant.
Genome position (GRCh38, 1-based): chr1:45,342,441, C>T. VCF-style: chr1-45342441-C-T. GRCh37 (hg19) VCF-style: chr1-45808113-C-T.
Other names: c.550C>T (NM_025077.3); short protein forms R184C.
Identifiers: ClinVar variation 1511327 (VCV001511327.9), dbSNP rs533647558, ClinGen allele CA826605.

ClinVar aggregate classification (germline): Uncertain significance. Review status: criteria provided, multiple submitters, no conflicts (2 of 4 stars). 2 submissions from 2 submitters: Uncertain significance (2). Last evaluated 2025-03-01.

Conditions:
Inborn genetic diseases. Identifiers: MedGen C0950123, MeSH D030342.

Allele frequency attached by ClinVar (database versions not stated): gnomAD exomes 0.00005 and 0.00008; ExAC 0.00008; TOPMed 0.00008; gnomAD 0.00011 and 0.00013; 1000 Genomes Project 0.00020; 1000 Genomes Project 30x 0.00047.
gnomAD v4.1: 91 of 1,614,122 alleles (0.0056%); highest among the groups gnomAD compares: East Asian, 0.033%; no homozygotes.

Submissions (2):

Ambry Genetics
Classification: Uncertain significance for Inborn genetic diseases. Last evaluated: 2025-03-01. Review status: criteria provided, single submitter. Criteria: Ambry Variant Classification Scheme 2023. Collection method: clinical testing. Allele origin: germline.

Labcorp Genetics (formerly Invitae), Labcorp
Classification: Uncertain significance. Last evaluated: 2025-01-01. Review status: criteria provided, single submitter. Criteria: Invitae Variant Classification Sherloc (09022015). Collection method: clinical testing. Allele origin: germline.
Comment: This sequence change replaces arginine, which is basic and polar, with cysteine, which is neutral and slightly polar, at codon 184 of the TOE1 protein (p.Arg184Cys). This variant is present in population databases (rs533647558, gnomAD 0.06%). This variant has not been reported in the literature in individuals affected with TOE1-related conditions. ClinVar contains an entry for this variant (Variation ID: 1511327). Invitae Evidence Modeling of protein sequence and biophysical properties (such as structural, functional, and spatial information, amino acid conservation, physicochemical variation, residue mobility, and thermodynamic stability) indicates that this missense variant is not expected to disrupt TOE1 protein function with a negative predictive value of 80%. In summary, the available evidence is currently insufficient to determine the role of this variant in disease. Therefore, it has been classified as a Variant of Uncertain Significance.